The following is an entry in ClinVar:

ClinVar aggregate classification (germline): Likely benign. Review status: criteria provided, multiple submitters, no conflicts (2 of 4 stars). 2 submissions from 2 submitters: Likely benign (2). Last evaluated 2025-04-02.

Conditions:
Glycogen storage disease IXd (GSD9D). Also called: Muscle Phosphorylase Kinase Deficiency; GSD IXd. Identifiers: Orphanet 715, MedGen C1845151, MONDO:0010362, OMIM 300559.

Submissions (2):

Mayo Clinic Laboratories, Mayo Clinic
Classification: Likely benign. Last evaluated: 2025-04-02. Review status: criteria provided, single submitter. Criteria: ACMG Guidelines, 2015. Collection method: clinical testing. Allele origin: germline. Observed: 1 variant allele.
Comment: BP4, BP7

Labcorp Genetics (formerly Invitae), Labcorp
Classification: Likely benign for Glycogen storage disease IXd. Last evaluated: 2020-12-14. Review status: criteria provided, single submitter. Criteria: Invitae Variant Classification Sherloc (09022015). Collection method: clinical testing. Allele origin: germline.

NM_002637.4(PHKA1):c.78+16TC[2]

Gene: PHKA1 (phosphorylase kinase regulatory subunit alpha 1; minus strand). Cytogenetic location: Xq13.1.
Variant type: Microsatellite.
Coding change: c.78+16TC[2] on transcript NM_002637.4 (MANE Select); two copies in a row of the 2-base unit TC starting at c.78+16; the reference has three copies in a row; one copy, 2 bases deleted.
Molecular consequence: intron variant.
Genome position (GRCh38, 1-based): chrX:72,713,782-72,713,783, GA deleted on the plus strand (TC on the coding strand, the reverse complement: PHKA1 is on the minus strand); deleting any 2 consecutive bases within chrX:72,713,782-72,713,787 gives the same sequence; the position shown is the placement nearest the transcript's 3' end. VCF-style (leftmost placement, unchanged base first): chrX-72713781-CGA-C. GRCh37 (hg19) VCF-style: chrX-71933629-CGA-C.
Other names: p.?; c.78+16TC[2] (NM_001172436.2, NM_001122670.2); c.78+20_78+21del (NM_002637.4).
Identifiers: ClinVar variation 1536939 (VCV001536939.9), dbSNP rs781902933, ClinGen allele CA10451116.